The following is an entry in ClinVar:

NM_022437.3(ABCG8):c.634G>T (p.Gly212Trp)

Gene: ABCG8 (ATP binding cassette subfamily G member 8; plus strand). Cytogenetic location: 2p21.
Variant type: single nucleotide variant.
Coding change: c.634G>T on transcript NM_022437.3 (MANE Select); coding-DNA position 634, G replaced by T.
Protein change: p.Gly212Trp; replaces glycine 212 with tryptophan.
Molecular consequence: missense variant.
Genome position (GRCh38, 1-based): chr2:43,852,426, G>T. VCF-style: chr2-43852426-G-T. GRCh37 (hg19) VCF-style: chr2-44079565-G-T.
Other names: c.634G>T (NM_022437.2); c.634G>T, p.Gly212Trp (NM_001357321.2); short protein forms G212W.
Identifiers: ClinVar variation 500378 (VCV000500378.8), dbSNP rs746527671, ClinGen allele CA1637099.

ClinVar aggregate classification (germline): Uncertain significance. Review status: criteria provided, multiple submitters, no conflicts (2 of 4 stars). 3 submissions from 3 submitters: Uncertain significance (3). Last evaluated 2026-09-06.

Conditions:
Cardiovascular phenotype. Identifiers: MedGen CN230736.
Gallbladder disease 4 (GBD4). Identifiers: MedGen C1969115, MONDO:1010151, OMIM 611465.
Sitosterolemia 1. Identifiers: MedGen C2749759, MONDO:0020747, OMIM 210250.

Allele frequency attached by ClinVar (database versions not stated): ExAC 0.00001; TOPMed 0.00002.
gnomAD v4.1: 14 of 1,612,678 alleles (0.00087%); highest among the groups gnomAD compares: Admixed American, 0.022%; no homozygotes.

Submissions (3):

Ambry Genetics
Classification: Uncertain significance for Cardiovascular phenotype. Last evaluated: 2026-09-06. Review status: criteria provided, single submitter. Criteria: Ambry Variant Classification Scheme 2023. Collection method: clinical testing. Allele origin: germline.
Comment: The p.G212W variant (also known as c.634G>T), located in coding exon 5 of the ABCG8 gene, results from a G to T substitution at nucleotide position 634. The glycine at codon 212 is replaced by tryptophan, an amino acid with highly dissimilar properties. This amino acid position is conserved. In addition, the in silico prediction for this alteration is inconclusive. Based on the available evidence, the clinical significance of this variant remains unclear.

Fulgent Genetics
Classification: Uncertain significance for Sitosterolemia 1; Gallbladder disease 4. Last evaluated: 2022-02-28. Review status: criteria provided, single submitter. Criteria: ACMG Guidelines, 2015. Collection method: clinical testing. Allele origin: unknown.

Eurofins Ntd Llc (ga)
Classification: Uncertain significance. Last evaluated: 2017-11-08. Review status: criteria provided, single submitter. Criteria: EGL Classification Definitions 2015. Collection method: clinical testing. Allele origin: germline. Observed: 2 variant alleles, 2 heterozygotes.